The following is an entry in ClinVar:

ClinVar aggregate classification (germline): Uncertain significance (1 of 4 stars; one submission).

Allele frequency attached by ClinVar (database versions not stated): ExAC 0.00005; TOPMed 0.00006; gnomAD 0.00007; ESP Exome Variant Server 0.00023.
gnomAD v4.1: 183 of 1,600,596 alleles (0.011%); highest among the groups gnomAD compares: Non-Finnish European, 0.015%; no homozygotes.

Submission:

Labcorp Genetics (formerly Invitae), Labcorp
Classification: Uncertain significance. Last evaluated: 2022-02-23. Review status: criteria provided, single submitter. Criteria: Invitae Variant Classification Sherloc (09022015). Collection method: clinical testing. Allele origin: germline.
Comment: In summary, the available evidence is currently insufficient to determine the role of this variant in disease. Therefore, it has been classified as a Variant of Uncertain Significance. Algorithms developed to predict the effect of missense changes on protein structure and function (SIFT, PolyPhen-2, Align-GVGD) all suggest that this variant is likely to be tolerated. This variant has not been reported in the literature in individuals affected with NECTIN1-related conditions. This variant is present in population databases (rs368903682, gnomAD 0.009%). This sequence change replaces threonine, which is neutral and polar, with serine, which is neutral and polar, at codon 354 of the NECTIN1 protein (p.Thr354Ser).

NM_002855.5(NECTIN1):c.1060A>T (p.Thr354Ser)

Gene: NECTIN1 (nectin cell adhesion molecule 1; minus strand). Cytogenetic location: 11q23.3.
Variant type: single nucleotide variant.
Coding change: c.1060A>T on transcript NM_002855.5 (MANE Select); coding-DNA position 1060, A replaced by T.
Protein change: p.Thr354Ser; replaces threonine 354 with serine.
Molecular consequence: missense variant. On other transcripts: intron variant (1).
Genome position (GRCh38, 1-based): chr11:119,665,241, T>A on the plus strand (A>T on the coding strand, the complement: NECTIN1 is on the minus strand). VCF-style: chr11-119665241-T-A. GRCh37 (hg19) VCF-style: chr11-119535951-T-A.
Other names: c.1003+9918A>T (NM_203285.2); short protein forms T354S.
Identifiers: ClinVar variation 2166529 (VCV002166529.4), dbSNP rs368903682, ClinGen allele CA6321876.